The following is an entry in ClinVar:

ClinVar aggregate classification (germline): Uncertain significance (1 of 4 stars; one submission).

Conditions:
Malignant hyperthermia, susceptibility to, 5 (MHS5). Also called: CACNA1S-Related Malignant Hyperthermia Susceptibility. Identifiers: Orphanet 423, MedGen C1866077, MONDO:0011163, OMIM 601887.

Allele frequency attached by ClinVar (database versions not stated): TOPMed 0.00001.

Submission:

All of Us Research Program, National Institutes of Health
Classification: Uncertain significance for Malignant hyperthermia, susceptibility to, 5. Last evaluated: 2023-08-15. Review status: criteria provided, single submitter. Criteria: ACMG Guidelines, 2015. Collection method: clinical testing. Allele origin: germline. Inheritance: Autosomal dominant inheritance. Observed: 2 variant alleles, 2 heterozygotes.
Comment: This missense variant replaces alanine with threonine at codon 1809 of the CACNA1S protein. Computational prediction suggests that this variant may not impact protein structure and function (internally defined REVEL score threshold <= 0.5, PMID: 27666373). To our knowledge, functional studies have not been reported for this variant. This variant has not been reported in individuals affected with CACNA1S-related disorders in the literature. This variant has not been identified in the general population by the Genome Aggregation Database (gnomAD). The available evidence is insufficient to determine the role of this variant in disease conclusively. Therefore, this variant is classified as a Variant of Uncertain Significance.

This study involves interpretation of variants in research participants for the purpose of population health screening. Participant phenotype was not available at the time of variant classification. Additional details can be found in publication PMID: 35346344, PMCID: PMC8962531

NM_000069.3(CACNA1S):c.5425G>A (p.Ala1809Thr)

Gene: CACNA1S (calcium voltage-gated channel subunit alpha1 S; minus strand). Cytogenetic location: 1q32.1.
Variant type: single nucleotide variant.
Coding change: c.5425G>A on transcript NM_000069.3 (MANE Select); coding-DNA position 5425, G replaced by A.
Protein change: p.Ala1809Thr; replaces alanine 1809 with threonine.
Molecular consequence: missense variant.
Genome position (GRCh38, 1-based): chr1:201,040,028, C>T on the plus strand (G>A on the coding strand, the complement: CACNA1S is on the minus strand). VCF-style: chr1-201040028-C-T. GRCh37 (hg19) VCF-style: chr1-201009156-C-T.
Other names: short protein forms A1809T.
Identifiers: ClinVar variation 3071379 (VCV003071379.1), dbSNP rs1038814118, ClinGen allele CA35989081.
Genomic context (GRCh38, chr1:201,040,028, plus strand): 5'-CCATGATCTCCACTTCCTCTGGTTCCATTTGGCAGGCATCTGCCAGGGCCTGGCCTGTTG[C>T]CATGATGAAGTTTGCATCAGCTGCCAAGGTGCCCAGGCCCCCTCGAACCAGAGCCTGCAG-3'
Protein context (NP_000060.2, residues 1799-1819): TLAADANFIM[Ala1809Thr]TGQALADACQ